The following is an entry in ClinVar:

NM_030777.4(SLC2A10):c.344C>T (p.Ser115Phe)

Gene: SLC2A10 (solute carrier family 2 member 10; plus strand). Cytogenetic location: 20q13.12.
Variant type: single nucleotide variant.
Coding change: c.344C>T on transcript NM_030777.4 (MANE Select); coding-DNA position 344, C replaced by T.
Protein change: p.Ser115Phe; replaces serine 115 with phenylalanine.
Molecular consequence: missense variant.
Genome position (GRCh38, 1-based): chr20:46,725,380, C>T. VCF-style: chr20-46725380-C-T. GRCh37 (hg19) VCF-style: chr20-45354019-C-T.
Other names: short protein forms S115F.
Identifiers: ClinVar variation 4844843 (VCV004844843.2).

ClinVar aggregate classification (germline): Uncertain significance. Review status: criteria provided, multiple submitters, no conflicts (2 of 4 stars). 2 submissions from 2 submitters: Uncertain significance (2). Last evaluated 2026-08-06.

Conditions:
Arterial tortuosity syndrome (ATORS). Identifiers: Orphanet 3342, MedGen C1859726, MONDO:0008818, OMIM 208050.
Familial thoracic aortic aneurysm and aortic dissection (TAAD). Also called: Thoracic aortic aneurysms and dissections. Identifiers: Orphanet 91387, MedGen C4707243, MONDO:0019625.

gnomAD v4.1: 13 of 1,614,188 alleles (0.00081%); highest among the groups gnomAD compares: Middle Eastern, 0.066%; no homozygotes.

Submissions (2):

OLLIN Analises Genomicas, OLLIN
Classification: Uncertain significance for Arterial tortuosity syndrome. Last evaluated: 2026-08-06. Review status: criteria provided, single submitter. Criteria: ACMG Guidelines 2015 PMID 25741868. Collection method: clinical testing. Allele origin: germline. Inheritance: Autosomal recessive inheritance.
Comment: This missense variant, located in exon 2 (of 5), has been observed in gnomAD with an allele frequency of 0.000805%, but has not been reported in ClinVar or identified in the literature. In silico analysis predicts that this variant has a deleterious effect. According to the currently available evidence, this variant has been classified as uncertain significance (PM2_P, PP3_M).

Ambry Genetics
Classification: Uncertain significance for Familial thoracic aortic aneurysm and aortic dissection. Last evaluated: 2026-01-21. Review status: criteria provided, single submitter. Criteria: Ambry Variant Classification Scheme 2023. Collection method: clinical testing. Allele origin: germline.
Comment: The p.S115F variant (also known as c.344C>T), located in coding exon 2 of the SLC2A10 gene, results from a C to T substitution at nucleotide position 344. The serine at codon 115 is replaced by phenylalanine, an amino acid with highly dissimilar properties. This amino acid position is conserved. In addition, this alteration is predicted to be deleterious by in silico analysis. Based on the available evidence, the clinical significance of this variant remains unclear.